The following is an entry in ClinVar:

ClinVar aggregate classification (germline): Uncertain significance (1 of 4 stars; one submission).

Conditions:
Tuberous sclerosis 2 (TSC2). Identifiers: Orphanet 805, MedGen C1860707, MONDO:0013199, OMIM 613254.

Submission:

Labcorp Genetics (formerly Invitae), Labcorp
Classification: Uncertain significance for Tuberous sclerosis 2. Last evaluated: 2023-12-30. Review status: criteria provided, single submitter. Criteria: Invitae Variant Classification Sherloc (09022015). Collection method: clinical testing. Allele origin: germline.
Comment: This sequence change replaces arginine, which is basic and polar, with serine, which is neutral and polar, at codon 115 of the TSC2 protein (p.Arg115Ser). This variant is not present in population databases (gnomAD no frequency). This variant has not been reported in the literature in individuals affected with TSC2-related conditions. Advanced modeling of protein sequence and biophysical properties (such as structural, functional, and spatial information, amino acid conservation, physicochemical variation, residue mobility, and thermodynamic stability) performed at Invitae indicates that this missense variant is not expected to disrupt TSC2 protein function with a negative predictive value of 95%. In summary, the available evidence is currently insufficient to determine the role of this variant in disease. Therefore, it has been classified as a Variant of Uncertain Significance.

NM_000548.5(TSC2):c.343C>A (p.Arg115Ser)

Gene: TSC2 (TSC complex subunit 2; plus strand). Cytogenetic location: 16p13.3.
Variant type: single nucleotide variant.
Coding change: c.343C>A on transcript NM_000548.5 (MANE Select); coding-DNA position 343, C replaced by A.
Protein change: p.Arg115Ser; replaces arginine 115 with serine.
Molecular consequence: missense variant. On other transcripts: 5 prime UTR variant (14), non-coding transcript variant (5), intron variant (6).
Genome position (GRCh38, 1-based): chr16:2,054,302, C>A. VCF-style: chr16-2054302-C-A. GRCh37 (hg19) VCF-style: chr16-2104303-C-A.
Other names: c.343C>A, p.Arg115Ser (NM_001077183.3, NM_001114382.3, NM_001363528.2 and 8 more transcripts); c.232C>A, p.Arg78Ser (NM_001318827.2, NM_001406670.1, NM_001406678.1); c.196C>A, p.Arg66Ser (NM_001318829.2, NM_001406675.1, NM_001406676.1 and 1 more transcripts); c.376C>A, p.Arg126Ser (NM_001318832.2); c.433C>A, p.Arg145Ser (NM_001406667.1, NM_001406668.1); c.286C>A, p.Arg96Ser (NM_001406677.1); c.-474C>A (NM_001406680.1, NM_001406683.1, NM_001406687.1); c.-103C>A (NM_001406681.1); and 6 more; short protein forms R66S, R78S, R115S, R126S, R145S, R96S.
Identifiers: ClinVar variation 2706325 (VCV002706325.3), dbSNP rs1256047792, ClinGen allele CA394306410.
Genomic context (GRCh38, chr16:2,054,302, plus strand): 5'-AGCCGTGTGGGCGACGCTGGCAGGCTCTGCTGATCCTGTGGCTTTTGTCTTTAGGGCGAG[C>A]GTTTGGGGGTCCTCAGAGCCCTCTTCTTTAAGGTCATCAAGGATTACCCTTCCAACGAAG-3'
Protein context (NP_000539.2, residues 105-125): LKAIVQGQGE[Arg115Ser]LGVLRALFFK